The following is an entry in ClinVar:

NM_006531.5(IFT88):c.1492G>A (p.Gly498Ser)

Gene: IFT88 (intraflagellar transport 88; plus strand). Cytogenetic location: 13q12.11.
Variant type: single nucleotide variant.
Coding change: c.1492G>A on transcript NM_006531.5 (MANE Select); coding-DNA position 1492, G replaced by A.
Protein change: p.Gly498Ser; replaces glycine 498 with serine.
Molecular consequence: missense variant. On other transcripts: non-coding transcript variant (4).
Genome position (GRCh38, 1-based): chr13:20,638,437, G>A. VCF-style: chr13-20638437-G-A. GRCh37 (hg19) VCF-style: chr13-21212576-G-A.
Other names: c.1435G>A, p.Gly479Ser (NM_001318491.2, NM_001353575.2); c.1519G>A, p.Gly507Ser (NM_001318493.2, NM_001353565.2, NM_001353566.2 and 2 more transcripts); c.1492G>A, p.Gly498Ser (NM_001353568.2, NM_001353572.2); c.1417G>A, p.Gly473Ser (NM_001353569.2, NM_001353570.2, NM_001353576.2 and 1 more transcripts); c.1390G>A, p.Gly464Ser (NM_001353571.2, NM_001353578.2); c.1348G>A, p.Gly450Ser (NM_001353573.2); c.1333G>A, p.Gly445Ser (NM_001353574.2); c.859G>A, p.Gly287Ser (NM_001353579.2); short protein forms G479S, G287S, G445S, G473S, G498S, G450S, G464S, G507S.
Identifiers: ClinVar variation 2823583 (VCV002823583.3), dbSNP rs776584659, ClinGen allele CA6905427.

ClinVar aggregate classification (germline): Uncertain significance (1 of 4 stars; one submission).

Allele frequency attached by ClinVar (database versions not stated): gnomAD exomes below 0.00001; ExAC 0.00001.
gnomAD v4.1: 2 of 1,529,752 alleles (0.00013%); highest among the groups gnomAD compares: South Asian, 0.0028%; no homozygotes.

Submission:

Labcorp Genetics (formerly Invitae), Labcorp
Classification: Uncertain significance. Last evaluated: 2023-05-12. Review status: criteria provided, single submitter. Criteria: Invitae Variant Classification Sherloc (09022015). Collection method: clinical testing. Allele origin: germline.
Comment: In summary, the available evidence is currently insufficient to determine the role of this variant in disease. Therefore, it has been classified as a Variant of Uncertain Significance. An algorithm developed to predict the effect of missense changes on protein structure and function (PolyPhen-2) suggests that this variant is likely to be disruptive. This variant has not been reported in the literature in individuals affected with IFT88-related conditions. The frequency data for this variant in the population databases is considered unreliable, as metrics indicate poor data quality at this position in the gnomAD database. This sequence change replaces glycine, which is neutral and non-polar, with serine, which is neutral and polar, at codon 507 of the IFT88 protein (p.Gly507Ser).